The following is an entry in ClinVar:

NM_003024.3(ITSN1):c.3113G>A (p.Trp1038Ter)

Gene: ITSN1 (intersectin 1; plus strand). Cytogenetic location: 21q22.11.
Variant type: single nucleotide variant.
Coding change: c.3113G>A on transcript NM_003024.3 (MANE Select); coding-DNA position 3113, G replaced by A.
Protein change: p.Trp1038Ter; replaces tryptophan 1038 with a stop codon.
Molecular consequence: nonsense. On other transcripts: intron variant (2).
Genome position (GRCh38, 1-based): chr21:33,823,583, G>A. VCF-style: chr21-33823583-G-A. GRCh37 (hg19) VCF-style: chr21-35195887-G-A.
Other names: c.3113G>A, p.Trp1038Ter (NM_001001132.2); c.3098G>A, p.Trp1033Ter (NM_001331009.2, NM_001331010.2); c.2987G>A, p.Trp996Ter (NM_001331012.2); c.3016+4260G>A (NM_001331008.2); c.3001+4260G>A (NM_001331011.2); short protein forms W1033*, W1038*, W996*.
Identifiers: ClinVar variation 4086505 (VCV004086505.1).

ClinVar aggregate classification (germline): Pathogenic (1 of 4 stars; one submission).

Submission:

GeneDx
Classification: Pathogenic. Last evaluated: 2025-03-17. Review status: criteria provided, single submitter. Criteria: GeneDx Variant Classification Process June 2021. Collection method: clinical testing. Allele origin: germline. Affected: yes.
Comment: Nonsense variant predicted to result in protein truncation or nonsense mediated decay in a gene for which loss of function is a known mechanism of disease; Not observed at significant frequency in large population cohorts (gnomAD); Has not been previously published as pathogenic or benign to our knowledge